The following is an entry in ClinVar:

ClinVar aggregate classification (germline): Uncertain significance (1 of 4 stars; one submission).

Submission:

Labcorp Genetics (formerly Invitae), Labcorp
Classification: Uncertain significance. Last evaluated: 2022-10-13. Review status: criteria provided, single submitter. Criteria: Invitae Variant Classification Sherloc (09022015). Collection method: clinical testing. Allele origin: germline.
Comment: This variant is not present in population databases (gnomAD no frequency). In summary, the available evidence is currently insufficient to determine the role of this variant in disease. Therefore, it has been classified as a Variant of Uncertain Significance. Advanced modeling of protein sequence and biophysical properties (such as structural, functional, and spatial information, amino acid conservation, physicochemical variation, residue mobility, and thermodynamic stability) performed at Invitae indicates that this missense variant is not expected to disrupt MTTP protein function. ClinVar contains an entry for this variant (Variation ID: 1515390). This variant has not been reported in the literature in individuals affected with MTTP-related conditions. This sequence change replaces serine, which is neutral and polar, with threonine, which is neutral and polar, at codon 212 of the MTTP protein (p.Ser212Thr).

NM_001386140.1(MTTP):c.634T>A (p.Ser212Thr)

Gene: MTTP (microsomal triglyceride transfer protein; plus strand). Cytogenetic location: 4q23.
Variant type: single nucleotide variant.
Coding change: c.634T>A on transcript NM_001386140.1 (MANE Select); coding-DNA position 634, T replaced by A.
Protein change: p.Ser212Thr; replaces serine 212 with threonine.
Molecular consequence: missense variant.
Genome position (GRCh38, 1-based): chr4:99,591,666, T>A. VCF-style: chr4-99591666-T-A. GRCh37 (hg19) VCF-style: chr4-100512823-T-A.
Other names: c.634T>A, p.Ser212Thr (NM_000253.4); c.385T>A, p.Ser129Thr (NM_001300785.2); short protein forms S129T, S212T.
Identifiers: ClinVar variation 1515390 (VCV001515390.4), dbSNP rs1372639425, ClinGen allele CA357504903.